The following is an entry in ClinVar:

ClinVar aggregate classification (germline): Uncertain significance. Review status: criteria provided, multiple submitters, no conflicts (2 of 4 stars). 2 submissions from 2 submitters: Uncertain significance (2). Last evaluated 2022-02-24.

Submissions (2):

Labcorp Genetics (formerly Invitae), Labcorp
Classification: Uncertain significance. Last evaluated: 2022-02-24. Review status: criteria provided, single submitter. Criteria: Invitae Variant Classification Sherloc (09022015). Collection method: clinical testing. Allele origin: germline.
Comment: In summary, the available evidence is currently insufficient to determine the role of this variant in disease. Therefore, it has been classified as a Variant of Uncertain Significance. Algorithms developed to predict the effect of missense changes on protein structure and function (SIFT, PolyPhen-2, Align-GVGD) all suggest that this variant is likely to be tolerated. ClinVar contains an entry for this variant (Variation ID: 965935). This variant has not been reported in the literature in individuals affected with PROM1-related conditions. This variant is not present in population databases (gnomAD no frequency). This sequence change replaces glutamine, which is neutral and polar, with lysine, which is basic and polar, at codon 283 of the PROM1 protein (p.Gln283Lys).

Blueprint Genetics
Classification: Uncertain significance. Last evaluated: 2020-04-22. Review status: criteria provided, single submitter. Criteria: ACMG Guidelines, 2015. Collection method: clinical testing. Allele origin: germline.

NM_006017.3(PROM1):c.847C>A (p.Gln283Lys)

Gene: PROM1 (prominin 1; minus strand). Cytogenetic location: 4p15.32.
Variant type: single nucleotide variant.
Coding change: c.847C>A on transcript NM_006017.3 (MANE Select); coding-DNA position 847, C replaced by A.
Protein change: p.Gln283Lys; replaces glutamine 283 with lysine.
Molecular consequence: missense variant.
Genome position (GRCh38, 1-based): chr4:16,018,478, G>T on the plus strand (C>A on the coding strand, the complement: PROM1 is on the minus strand). VCF-style: chr4-16018478-G-T. GRCh37 (hg19) VCF-style: chr4-16020101-G-T.
Other names: c.820C>A, p.Gln274Lys (NM_001145847.2, NM_001145848.2, NM_001145851.2 and 4 more transcripts); c.847C>A, p.Gln283Lys (NM_001145849.2, NM_001145850.2); short protein forms Q274K, Q283K.
Identifiers: ClinVar variation 965935 (VCV000965935.10), dbSNP rs1728983975, ClinGen allele CA356420068.